The following is an entry in ClinVar:

ClinVar aggregate classification (germline): Uncertain significance (1 of 4 stars; one submission).

Conditions:
Kabuki syndrome 2 (KABUK2). Also called: KDM6A-Related Kabuki Syndrome. Identifiers: Orphanet 2322, MedGen C3275495, MONDO:0010465, OMIM 300867.

Submission:

Labcorp Genetics (formerly Invitae), Labcorp
Classification: Uncertain significance for Kabuki syndrome 2. Last evaluated: 2024-06-26. Review status: criteria provided, single submitter. Criteria: Invitae Variant Classification Sherloc (09022015). Collection method: clinical testing. Allele origin: germline.
Comment: This sequence change replaces leucine, which is neutral and non-polar, with proline, which is neutral and non-polar, at codon 1200 of the KDM6A protein (p.Leu1200Pro). This variant is not present in population databases (gnomAD no frequency). This variant has not been reported in the literature in individuals affected with KDM6A-related conditions. Advanced modeling of protein sequence and biophysical properties (such as structural, functional, and spatial information, amino acid conservation, physicochemical variation, residue mobility, and thermodynamic stability) has been performed at Invitae for this missense variant, however the output from this modeling did not meet the statistical confidence thresholds required to predict the impact of this variant on KDM6A protein function. In summary, the available evidence is currently insufficient to determine the role of this variant in disease. Therefore, it has been classified as a Variant of Uncertain Significance.

NM_001291415.2(KDM6A):c.3755T>C (p.Leu1252Pro)

Gene: KDM6A (lysine demethylase 6A; plus strand). Cytogenetic location: Xp11.3.
Variant type: single nucleotide variant.
Coding change: c.3755T>C on transcript NM_001291415.2 (MANE Select); coding-DNA position 3755, T replaced by C.
Protein change: p.Leu1252Pro; replaces leucine 1252 with proline.
Molecular consequence: missense variant. On other transcripts: non-coding transcript variant (1).
Genome position (GRCh38, 1-based): chrX:45,089,793, T>C. VCF-style: chrX-45089793-T-C. GRCh37 (hg19) VCF-style: chrX-44949038-T-C.
Other names: c.3620T>C, p.Leu1207Pro (NM_001291416.2, NM_001419811.1); c.3464T>C, p.Leu1155Pro (NM_001291417.2); c.3362T>C, p.Leu1121Pro (NM_001291418.2, NM_001419815.1); c.2711T>C, p.Leu904Pro (NM_001291421.2); c.3497T>C, p.Leu1166Pro (NM_001410742.1, NM_001419814.1); c.3755T>C, p.Leu1252Pro (NM_001419809.1); c.3653T>C, p.Leu1218Pro (NM_001419810.1, NM_001419813.1); c.3599T>C, p.Leu1200Pro (NM_001419812.1, NM_021140.4); short protein forms L1121P, L1166P, L1207P, L904P, L1155P, L1200P, L1218P, L1252P.
Identifiers: ClinVar variation 3657954 (VCV003657954.2).
Genomic context (GRCh38, chrX:45,089,793, plus strand): 5'-CTTATTTCAGAAATAATTTGAATTTCCTAATGGGTTCTTGGTGGCCCAATCTTGAAGATC[T>C]TTATGAAGCAAATGTTCCAGTGTATAGGTTTATTCAGCGACCTGGAGATTTGGTCTGGAT-3'
Protein context (NP_001278344.1, residues 1242-1262): MGSWWPNLED[Leu1252Pro]YEANVPVYRF